The following is an entry in ClinVar:

ClinVar aggregate classification (germline): Uncertain significance (1 of 4 stars; one submission).

gnomAD v4.1: 3 of 1,601,960 alleles (0.00019%); highest among the groups gnomAD compares: South Asian, 0.0023%; no homozygotes.

Submission:

GeneDx
Classification: Uncertain significance. Last evaluated: 2022-02-21. Review status: criteria provided, single submitter. Criteria: GeneDx Variant Classification Process June 2021. Collection method: clinical testing. Allele origin: germline. Affected: yes.
Comment: Not observed at significant frequency in large population cohorts (gnomAD); In silico analysis supports that this missense variant does not alter protein structure/function; Has not been previously published as pathogenic or benign to our knowledge

NM_000363.5(TNNI3):c.38G>A (p.Arg13His)

Gene: TNNI3 (troponin I3, cardiac type; minus strand). Cytogenetic location: 19q13.42.
Variant type: single nucleotide variant.
Coding change: c.38G>A on transcript NM_000363.5 (MANE Select); coding-DNA position 38, G replaced by A.
Protein change: p.Arg13His; replaces arginine 13 with histidine.
Molecular consequence: missense variant.
Genome position (GRCh38, 1-based): chr19:55,157,120, C>T on the plus strand (G>A on the coding strand, the complement: TNNI3 is on the minus strand). VCF-style: chr19-55157120-C-T. GRCh37 (hg19) VCF-style: chr19-55668488-C-T.
Other names: short protein forms R13H.
Identifiers: ClinVar variation 1702559 (VCV001702559.2), dbSNP rs2085738889, ClinGen allele CA407443203.